The following is an entry in ClinVar:

ClinVar aggregate classification (germline): Likely benign (1 of 4 stars; one submission).

Allele frequency attached by ClinVar (database versions not stated): gnomAD exomes below 0.00001.
gnomAD v4.1: 1 of 1,614,098 alleles (0.000062%); highest among the groups gnomAD compares: South Asian, 0.0011%; no homozygotes.

Submission:

GeneDx
Classification: Likely benign. Last evaluated: 2016-12-14. Review status: criteria provided, single submitter. Criteria: GeneDx Variant Classification (06012015). Collection method: clinical testing. Allele origin: germline. Affected: yes.
Comment: This variant is considered likely benign or benign based on one or more of the following criteria: it is a conservative change, it occurs at a poorly conserved position in the protein, it is predicted to be benign by multiple in silico algorithms, and/or has population frequency not consistent with disease.

NM_006231.4(POLE):c.6255G>A (p.Glu2085=)

Gene: POLE (DNA polymerase epsilon, catalytic subunit; minus strand). Cytogenetic location: 12q24.33.
Variant type: single nucleotide variant.
Coding change: c.6255G>A on transcript NM_006231.4 (MANE Select); coding-DNA position 6255, G replaced by A.
Protein change: p.Glu2085=; no amino-acid change (glutamic acid 2085 retained).
Molecular consequence: synonymous variant.
Genome position (GRCh38, 1-based): chr12:132,632,390, C>T on the plus strand (G>A on the coding strand, the complement: POLE is on the minus strand). VCF-style: chr12-132632390-C-T. GRCh37 (hg19) VCF-style: chr12-133208976-C-T.
Identifiers: ClinVar variation 391844 (VCV000391844.1), dbSNP rs1057524260, ClinGen allele CA16606402.